The following is an entry in ClinVar:

ClinVar aggregate classification (germline): Likely benign. Review status: criteria provided, multiple submitters, no conflicts (2 of 4 stars). 5 submissions from 5 submitters: Likely benign (4). 1 of the submissions does not count toward it. Last evaluated 2026-07-01.

Conditions:
CEP250-related disorder. Also called: CEP250-related condition.

Allele frequency attached by ClinVar (database versions not stated): 1000 Genomes Project 0.00120; 1000 Genomes Project 30x 0.00141; TOPMed 0.00237; ESP Exome Variant Server 0.00269; gnomAD exomes 0.00280; gnomAD 0.00289 and 0.00299; ExAC 0.00456.

Submissions (5):

CeGaT Center for Human Genetics Tuebingen
Classification: Likely benign. Last evaluated: 2026-07-01. Review status: criteria provided, single submitter. Criteria: CeGaT Center For Human Genetics Tuebingen Variant Classification Criteria Version 2. Collection method: clinical testing. Allele origin: germline. Affected: yes. Observed: 6 variant alleles.
Comment: CEP250: BP4, BS2

Labcorp Genetics (formerly Invitae), Labcorp
Classification: Likely benign. Last evaluated: 2026-01-19. Review status: criteria provided, single submitter. Criteria: Invitae Variant Classification Sherloc (09022015). Collection method: clinical testing. Allele origin: germline.

Blueprint Genetics
Classification: Likely benign. Last evaluated: 2024-11-27. Review status: criteria provided, single submitter. Criteria: ACMG Guidelines, 2015. Collection method: clinical testing. Allele origin: germline.

Breakthrough Genomics
Classification: Likely benign. Review status: criteria provided, single submitter. Criteria: ACMG Guidelines, 2015. Collection method: not provided. Allele origin: germline. Inheritance: Autosomal recessive inheritance. Affected: yes.

PreventionGenetics, part of Exact Sciences
Classification: Likely benign for CEP250-related condition. Last evaluated: 2022-04-01. Review status: no assertion criteria provided. Collection method: clinical testing. Allele origin: germline. Not counted in ClinVar's aggregate classification.
Comment: This variant is classified as likely benign based on ACMG/AMP sequence variant interpretation guidelines (Richards et al. 2015 PMID: 25741868, with internal and published modifications).

NM_007186.6(CEP250):c.5974C>T (p.Arg1992Cys)

Gene: CEP250 (centrosomal protein 250; plus strand). Cytogenetic location: 20q11.22.
Variant type: single nucleotide variant.
Coding change: c.5974C>T on transcript NM_007186.6 (MANE Select); coding-DNA position 5974, C replaced by T.
Protein change: p.Arg1992Cys; replaces arginine 1992 with cysteine.
Molecular consequence: missense variant.
Genome position (GRCh38, 1-based): chr20:35,504,343, C>T. VCF-style: chr20-35504343-C-T. GRCh37 (hg19) VCF-style: chr20-34092171-C-T.
Other names: c.4078C>T, p.Arg1360Cys (NM_001318219.1); short protein forms R1992C, R1360C.
Identifiers: ClinVar variation 730752 (VCV000730752.40), dbSNP rs41290926, ClinGen allele CA9833976.